The following is an entry in ClinVar:

NM_025137.4(SPG11):c.5462G>A (p.Arg1821Lys)

Gene: SPG11 (SPG11 vesicle trafficking associated, spatacsin; minus strand). Cytogenetic location: 15q21.1.
Variant type: single nucleotide variant.
Coding change: c.5462G>A on transcript NM_025137.4 (MANE Select); coding-DNA position 5462, G replaced by A.
Protein change: p.Arg1821Lys; replaces arginine 1821 with lysine.
Molecular consequence: missense variant.
Genome position (GRCh38, 1-based): chr15:44,584,218, C>T on the plus strand (G>A on the coding strand, the complement: SPG11 is on the minus strand). VCF-style: chr15-44584218-C-T. GRCh37 (hg19) VCF-style: chr15-44876416-C-T.
Other names: c.5462G>A, p.Arg1821Lys (NM_001160227.2); short protein forms R1821K.
Identifiers: ClinVar variation 641830 (VCV000641830.6), dbSNP rs777449266, ClinGen allele CA7534403.

ClinVar aggregate classification (germline): Uncertain significance. Review status: criteria provided, multiple submitters, no conflicts (2 of 4 stars). 3 submissions from 3 submitters: Uncertain significance (3). Last evaluated 2024-04-02.

Conditions:
Inborn genetic diseases. Identifiers: MedGen C0950123, MeSH D030342.
Hereditary spastic paraplegia 11. Also called: SPASTIC PARAPLEGIA, AUTOSOMAL RECESSIVE, COMPLICATED, WITH THIN CORPUS CALLOSUM; SPASTIC PARAPLEGIA, AUTOSOMAL RECESSIVE, WITH MENTAL IMPAIRMENT AND THIN CORPUS CALLOSUM; Spastic Paraplegia 11; Nakamura Osame syndrome; Autosomal recessive hereditary spastic paraplegia, mental impairment, and thin corpus callosum; Spastic paraplegia, mental retardation and thin corpus callosum. Identifiers: Orphanet 2822, MedGen C1858479, MONDO:0011445, OMIM 604360.

Allele frequency attached by ClinVar (database versions not stated): gnomAD below 0.00001 and 0.00001; gnomAD exomes 0.00003; ExAC 0.00004.
gnomAD v4.1: 34 of 1,614,090 alleles (0.0021%); highest among the groups gnomAD compares: South Asian, 0.036%; no homozygotes.

Submissions (3):

GeneDx
Classification: Uncertain significance. Last evaluated: 2024-04-02. Review status: criteria provided, single submitter. Criteria: GeneDx Variant Classification Process June 2021. Collection method: clinical testing. Allele origin: germline. Affected: yes.
Comment: In silico analysis supports that this missense variant does not alter protein structure/function; Has not been previously published as pathogenic or benign to our knowledge

Labcorp Genetics (formerly Invitae), Labcorp
Classification: Uncertain significance for Hereditary spastic paraplegia 11. Last evaluated: 2021-09-29. Review status: criteria provided, single submitter. Criteria: Invitae Variant Classification Sherloc (09022015). Collection method: clinical testing. Allele origin: germline.
Comment: This sequence change replaces arginine with lysine at codon 1821 of the SPG11 protein (p.Arg1821Lys). The arginine residue is weakly conserved and there is a small physicochemical difference between arginine and lysine. This variant is present in population databases (rs777449266, ExAC 0.03%). This variant has not been reported in the literature in individuals affected with SPG11-related conditions. Algorithms developed to predict the effect of missense changes on protein structure and function output the following: SIFT: "Tolerated"; PolyPhen-2: "Benign"; Align-GVGD: "Class C0". The lysine amino acid residue is found in multiple mammalian species, which suggests that this missense change does not adversely affect protein function. In summary, the available evidence is currently insufficient to determine the role of this variant in disease. Therefore, it has been classified as a Variant of Uncertain Significance.

Ambry Genetics
Classification: Uncertain significance for Inborn genetic diseases. Last evaluated: 2020-12-31. Review status: criteria provided, single submitter. Criteria: Ambry Variant Classification Scheme 2023. Collection method: clinical testing. Allele origin: germline.
Comment: The p.R1821K variant (also known as c.5462G>A), located in coding exon 30 of the SPG11 gene, results from a G to A substitution at nucleotide position 5462. The arginine at codon 1821 is replaced by lysine, an amino acid with highly similar properties. This amino acid position is not well conserved in available vertebrate species, and lysine is the reference amino acid in other vertebrate species. In addition, this alteration is predicted to be tolerated by in silico analysis. Since supporting evidence is limited at this time, the clinical significance of this alteration remains unclear.